The following is an entry in ClinVar:

NM_006031.6(PCNT):c.7859G>A (p.Ser2620Asn)

Gene: PCNT (pericentrin; plus strand). Cytogenetic location: 21q22.3.
Variant type: single nucleotide variant.
Coding change: c.7859G>A on transcript NM_006031.6 (MANE Select); coding-DNA position 7859, G replaced by A.
Protein change: p.Ser2620Asn; replaces serine 2620 with asparagine.
Molecular consequence: missense variant.
Genome position (GRCh38, 1-based): chr21:46,430,178, G>A. VCF-style: chr21-46430178-G-A. GRCh37 (hg19) VCF-style: chr21-47850092-G-A.
Other names: c.7505G>A, p.Ser2502Asn (NM_001315529.2); short protein forms S2502N, S2620N.
Identifiers: ClinVar variation 4978139 (VCV004978139.1).
Genomic context (GRCh38, chr21:46,430,178, plus strand): 5'-CGGCGGAGCAGACTGTAGTGCGAGATTTGAAGTCCGACCTCTGTGAGAGCAGGCAGAAGA[G>A]CGAACAGCTGTCCCGGTCCCTCTGCGAGGTGCAGCAGGAGGTCCTCCAGCTGAGGTGCGC-3'
Protein context (NP_006022.3, residues 2610-2630): KSDLCESRQK[Ser2620Asn]EQLSRSLCEV

ClinVar aggregate classification (germline): Uncertain significance (1 of 4 stars; one submission).

Conditions:
PCNT-related disorder. Also called: PCNT-related condition.

gnomAD v4.1: 7 of 1,614,104 alleles (0.00043%); highest among the groups gnomAD compares: South Asian, 0.0066%; no homozygotes.

Submission:

PreventionGenetics, part of Exact Sciences
Classification: Uncertain significance for PCNT-related condition. Last evaluated: 2026-01-02. Review status: criteria provided, single submitter. Criteria: ACMG Guidelines, 2015. Collection method: clinical testing. Allele origin: germline.
Comment: The PCNT c.7859G>A variant is predicted to result in the amino acid substitution p.Ser2620Asn. To our knowledge, this variant has not been reported in the literature. This variant is reported in 0.0065% of alleles in individuals of South Asian descent in gnomAD. At this time, the clinical significance of this variant is uncertain due to the absence of conclusive functional and genetic evidence.